The following is an entry in ClinVar:

NM_001042492.3(NF1):c.1721+1G>C

Gene: NF1 (neurofibromin 1; plus strand). Cytogenetic location: 17q11.2.
Variant type: single nucleotide variant.
Coding change: c.1721+1G>C on transcript NM_001042492.3 (MANE Select); the canonical splice donor site of the intron after coding-DNA position 1721, G replaced by C.
Molecular consequence: splice donor variant. On other transcripts: missense variant (1).
Genome position (GRCh38, 1-based): chr17:31,221,930, G>C. VCF-style: chr17-31221930-G-C. GRCh37 (hg19) VCF-style: chr17-29548948-G-C.
Other names: c.1722G>C, p.Arg574Ser (NM_001128147.3); c.1721+1G>C (NM_000267.4); short protein forms R574S.
Identifiers: ClinVar variation 586169 (VCV000586169.12), dbSNP rs1131691096, ClinGen allele CA399002393.

ClinVar aggregate classification (germline): Pathogenic. Review status: criteria provided, multiple submitters, no conflicts (2 of 4 stars). 6 submissions from 6 submitters: Pathogenic (6). Last evaluated 2026-04-15.

Conditions:
Neurofibromatosis, type 1 (NF1). Also called: VON RECKLINGHAUSEN DISEASE; Neurofibromatosis, type I; NEUROFIBROMATOSIS, TYPE I, SOMATIC; Peripheral type neurofibromatosis. Identifiers: Orphanet 636, MedGen C0027831, MONDO:0018975, OMIM 162200. Disease mechanism: loss of function.
Cardiovascular phenotype. Identifiers: MedGen CN230736.
Hereditary cancer-predisposing syndrome. Also called: Tumor predisposition; Hereditary Cancer Syndrome; Neoplastic Syndromes, Hereditary; Hereditary neoplastic syndrome. Identifiers: Orphanet 140162, MedGen C0027672, MeSH D009386, MONDO:0015356.

Submissions (6):

Ambry Genetics
Classification: Pathogenic for Cardiovascular phenotype; Hereditary cancer-predisposing syndrome. Last evaluated: 2026-04-15. Review status: criteria provided, single submitter. Criteria: Ambry Variant Classification Scheme 2023. Collection method: clinical testing. Allele origin: germline.
Comment: The c.1721+1G>C intronic variant results from a G to C substitution one nucleotide after coding exon 15 of the NF1 gene. This variant was reported in individual(s) meeting NIH diagnostic criteria for neurofibromatosis type 1 (NF1) (Sabbagh A et al. Hum Mutat, 2013 Nov;34:1510-8). Other variant(s) impacting the same donor site (c.1721+1G>T) have been shown to have a similar impact on splicing in individual(s) with features consistent with NF1 (Sabbagh A et al. Hum Mutat. 2013 Nov;34:1510-8; Ambry internal data). This variant is considered to be rare based on population cohorts in the Genome Aggregation Database (gnomAD). This nucleotide position is highly conserved in available vertebrate species. In silico splice site analysis predicts that this alteration will weaken the native splice donor site. Variants that disrupt the canonical splice site are expected to cause aberrant splicing, resulting in an abnormal protein or a transcript that is subject to nonsense-mediated mRNA decay. As such, this variant is classified as a disease-causing mutation.

Dasa
Classification: Pathogenic. Last evaluated: 2025-05-16. Review status: criteria provided, single submitter. Criteria: DASA Assertion Criteria. Collection method: clinical testing. Allele origin: germline.
Comment: NM_001042492.3(NF1):c.1721+1G>C introduces a premature termination codon predicted to result in loss of normal protein function. Loss-of-function is an established mechanism of disease for this gene. This variant results in the same amino acid change as a previously established pathogenic variant. Functional evidence supports a deleterious effect on the gene or gene product (PMID: 23913538). This variant has been reported in individuals with related phenotype (PMID: 23913538). The variant is present at low frequency in population datasets. Based on the available data, this variant is classified as pathogenic.

Labcorp Genetics (formerly Invitae), Labcorp
Classification: Pathogenic for Neurofibromatosis, type 1. Last evaluated: 2024-11-12. Review status: criteria provided, single submitter. Criteria: Invitae Variant Classification Sherloc (09022015). Collection method: clinical testing. Allele origin: germline.
Comment: This sequence change affects a donor splice site in intron 15 of the NF1 gene. RNA analysis indicates that disruption of this splice site induces altered splicing and may result in an absent or altered protein product. This variant is not present in population databases (gnomAD no frequency). Disruption of this splice site has been observed in individual(s) with neurofibromatosis type 1 (PMID: 12552569, 18546366, 23913538). This variant is also known as exon 11. ClinVar contains an entry for this variant (Variation ID: 586169). Studies have shown that disruption of this splice site results in skipping of exon 15 (also known as exon 11 in the literature), and produces a non-functional protein and/or introduces a premature termination codon (PMID: 23913538). For these reasons, this variant has been classified as Pathogenic.

GeneDx
Classification: Pathogenic. Last evaluated: 2023-04-06. Review status: criteria provided, single submitter. Criteria: GeneDx Variant Classification Process June 2021. Collection method: clinical testing. Allele origin: germline. Affected: yes.
Comment: Canonical splice site variant predicted to result in a null allele in a gene for which loss of function is a known mechanism of disease; Not observed at significant frequency in large population cohorts (gnomAD); This variant is associated with the following publications: (PMID: 18546366, 12552569, 23913538)

Genome-Nilou Lab
Classification: Pathogenic for Neurofibromatosis, type 1. Last evaluated: 2022-03-15. Review status: criteria provided, single submitter. Criteria: ACMG Guidelines, 2015. Collection method: clinical testing. Allele origin: germline. Affected: no.

Athena Diagnostics
Classification: Pathogenic. Last evaluated: 2018-04-09. Review status: criteria provided, single submitter. Criteria: Athena Diagnostics Criteria. Collection method: clinical testing. Allele origin: germline.

Literature cited by the submitters: PubMed 23913538 (cited by 4 submitters); PubMed 12552569 (cited by Labcorp Genetics (formerly Invitae), Labcorp); PubMed 18546366 (cited by Labcorp Genetics (formerly Invitae), Labcorp).